The following is an entry in ClinVar:

NM_206933.4(USH2A):c.15089C>T (p.Ser5030Leu)

Gene: USH2A (usherin; minus strand). Cytogenetic location: 1q41.
Variant type: single nucleotide variant.
Coding change: c.15089C>T on transcript NM_206933.4 (MANE Select); coding-DNA position 15089, C replaced by T.
Protein change: p.Ser5030Leu; replaces serine 5030 with leucine.
Molecular consequence: missense variant.
Genome position (GRCh38, 1-based): chr1:215,634,667, G>A on the plus strand (C>T on the coding strand, the complement: USH2A is on the minus strand). VCF-style: chr1-215634667-G-A. GRCh37 (hg19) VCF-style: chr1-215808009-G-A.
Other names: short protein forms S5030L.
Identifiers: ClinVar variation 859968 (VCV000859968.10), dbSNP rs758660532, ClinGen allele CA1392796.

ClinVar aggregate classification (germline): Uncertain significance. Review status: criteria provided, single submitter (1 of 4 stars). 3 submissions from 3 submitters: Uncertain significance (1). 2 of the submissions do not count toward it. Last evaluated 2024-10-21.

Conditions:
Usher syndrome type 2A. Also called: RETINAL DISEASE IN USHER SYNDROME TYPE IIA, MODIFIER OF; USHER SYNDROME, TYPE IIA. Identifiers: Orphanet 231178, Orphanet 886, MedGen C1848634, MONDO:0010169, OMIM 276901.
Retinal dystrophy. Also called: Inherited retinal dystrophy. Identifiers: Orphanet 71862, MedGen C0854723, MeSH D058499, MONDO:0019118, HP:0000556.

Allele frequency attached by ClinVar (database versions not stated): TOPMed 0.00002; gnomAD 0.00003 and 0.00004.
gnomAD v4.1: 16 of 1,614,038 alleles (0.00099%); highest among the groups gnomAD compares: African/African-American, 0.0093%; no homozygotes.

Submissions (3):

Labcorp Genetics (formerly Invitae), Labcorp
Classification: Uncertain significance. Last evaluated: 2024-10-21. Review status: criteria provided, single submitter. Criteria: Invitae Variant Classification Sherloc (09022015). Collection method: clinical testing. Allele origin: germline.
Comment: This sequence change replaces serine, which is neutral and polar, with leucine, which is neutral and non-polar, at codon 5030 of the USH2A protein (p.Ser5030Leu). This variant is present in population databases (rs758660532, gnomAD 0.01%). This variant has not been reported in the literature in individuals affected with USH2A-related conditions. ClinVar contains an entry for this variant (Variation ID: 859968). Invitae Evidence Modeling of protein sequence and biophysical properties (such as structural, functional, and spatial information, amino acid conservation, physicochemical variation, residue mobility, and thermodynamic stability) indicates that this missense variant is not expected to disrupt USH2A protein function with a negative predictive value of 95%. In summary, the available evidence is currently insufficient to determine the role of this variant in disease. Therefore, it has been classified as a Variant of Uncertain Significance.

Natera, Inc.
Classification: Uncertain significance for Usher syndrome type 2A. Last evaluated: 2020-09-16. Review status: no assertion criteria provided. Collection method: clinical testing. Allele origin: germline. Not counted in ClinVar's aggregate classification.

Institute of Human Genetics, Univ. Regensburg, Univ. Regensburg
Classification: Uncertain significance for Retinal dystrophy. Last evaluated: 2009-01-01. Review status: no assertion criteria provided. Criteria: ACMG Guidelines, 2015. Collection method: clinical testing. Allele origin: germline. Affected: yes. Not counted in ClinVar's aggregate classification.